The following is an entry in ClinVar:

ClinVar aggregate classification (germline): Uncertain significance (1 of 4 stars; one submission).

Conditions:
Hereditary cancer-predisposing syndrome. Also called: Tumor predisposition; Hereditary neoplastic syndrome; Hereditary Cancer Syndrome; Neoplastic Syndromes, Hereditary. Identifiers: Orphanet 140162, MedGen C0027672, MeSH D009386, MONDO:0015356.

Submission:

Ambry Genetics
Classification: Uncertain significance for Hereditary cancer-predisposing syndrome. Last evaluated: 2025-05-28. Review status: criteria provided, single submitter. Criteria: Ambry Variant Classification Scheme 2023. Collection method: clinical testing. Allele origin: germline.
Comment: The p.A327V variant (also known as c.980C>T), located in coding exon 7 of the SMARCB1 gene, results from a C to T substitution at nucleotide position 980. The alanine at codon 327 is replaced by valine, an amino acid with similar properties. This amino acid position is conserved. In addition, the in silico prediction for this alteration is inconclusive. Based on the available evidence, the clinical significance of this variant remains unclear.

NM_003073.5(SMARCB1):c.980C>T (p.Ala327Val)

Gene: SMARCB1 (SWI/SNF related BAF chromatin remodeling complex subunit B1; plus strand). Cytogenetic location: 22q11.23.
Variant type: single nucleotide variant.
Coding change: c.980C>T on transcript NM_003073.5 (MANE Select); coding-DNA position 980, C replaced by T.
Protein change: p.Ala327Val; replaces alanine 327 with valine.
Molecular consequence: missense variant.
Genome position (GRCh38, 1-based): chr22:23,825,409, C>T. VCF-style: chr22-23825409-C-T. GRCh37 (hg19) VCF-style: chr22-24167596-C-T.
Other names: c.953C>T, p.Ala318Val (NM_001007468.3); c.1007C>T, p.Ala336Val (NM_001317946.2); c.1034C>T, p.Ala345Val (NM_001362877.2); short protein forms A327V, A336V, A345V, A318V.
Identifiers: ClinVar variation 3958531 (VCV003958531.1).